The following is an entry in ClinVar:

ClinVar aggregate classification (germline): Uncertain significance. Review status: criteria provided, multiple submitters, no conflicts (2 of 4 stars). 2 submissions from 2 submitters: Uncertain significance (2). Last evaluated 2026-06-21.

Conditions:
Primary ciliary dyskinesia. Also called: Ciliary dyskinesia. Identifiers: Orphanet 244, MedGen C0008780, MONDO:0016575, HP:0012265.

Submissions (2):

Ambry Genetics
Classification: Uncertain significance for Primary ciliary dyskinesia. Last evaluated: 2026-06-21. Review status: criteria provided, single submitter. Criteria: Ambry Variant Classification Scheme 2023. Collection method: clinical testing. Allele origin: germline.
Comment: The p.S456P variant (also known as c.1366T>C), located in coding exon 14 of the DNAI1 gene, results from a T to C substitution at nucleotide position 1366. The serine at codon 456 is replaced by proline, an amino acid with similar properties. This amino acid position is conserved. In addition, the in silico prediction for this alteration is inconclusive. Based on the available evidence, the clinical significance of this variant remains unclear.

Labcorp Genetics (formerly Invitae), Labcorp
Classification: Uncertain significance for Primary ciliary dyskinesia. Last evaluated: 2023-07-17. Review status: criteria provided, single submitter. Criteria: Invitae Variant Classification Sherloc (09022015). Collection method: clinical testing. Allele origin: germline.
Comment: This variant is not present in population databases (gnomAD no frequency). In summary, the available evidence is currently insufficient to determine the role of this variant in disease. Therefore, it has been classified as a Variant of Uncertain Significance. Advanced modeling of protein sequence and biophysical properties (such as structural, functional, and spatial information, amino acid conservation, physicochemical variation, residue mobility, and thermodynamic stability) has been performed at Invitae for this missense variant, however the output from this modeling did not meet the statistical confidence thresholds required to predict the impact of this variant on DNAI1 protein function. ClinVar contains an entry for this variant (Variation ID: 1944766). This variant has not been reported in the literature in individuals affected with DNAI1-related conditions. This sequence change replaces serine, which is neutral and polar, with proline, which is neutral and non-polar, at codon 456 of the DNAI1 protein (p.Ser456Pro).

NM_012144.4(DNAI1):c.1366T>C (p.Ser456Pro)

Gene: DNAI1 (dynein axonemal intermediate chain 1; plus strand). Cytogenetic location: 9p13.3.
Variant type: single nucleotide variant.
Coding change: c.1366T>C on transcript NM_012144.4 (MANE Select); coding-DNA position 1366, T replaced by C.
Protein change: p.Ser456Pro; replaces serine 456 with proline.
Molecular consequence: missense variant.
Genome position (GRCh38, 1-based): chr9:34,512,163, T>C. VCF-style: chr9-34512163-T-C. GRCh37 (hg19) VCF-style: chr9-34512161-T-C.
Other names: c.1366T>C (NM_012144.2); c.1378T>C, p.Ser460Pro (NM_001281428.2); short protein forms S460P, S456P.
Identifiers: ClinVar variation 1944766 (VCV001944766.6), dbSNP rs2492115178, ClinGen allele CA373260266.
Genomic context (GRCh38, chr9:34,512,163, plus strand): 5'-TTTCAGGTCAAGTGGCAGAAGGATGACATGGACCAAAACCTTAACTTCTTCTCTGTGTCA[T>C]CTGACGGCAGGATTGTGTCTTGGACTCTCGTGAAGGTGCCTATTTCCCAGAGAGGGTCAC-3'
Protein context (NP_036276.1, residues 446-466): DQNLNFFSVS[Ser456Pro]DGRIVSWTLV